The following is an entry in ClinVar:

NM_001458.5(FLNC):c.2063C>T (p.Ala688Val)

Gene: FLNC (filamin C; plus strand). Cytogenetic location: 7q32.1.
Variant type: single nucleotide variant.
Coding change: c.2063C>T on transcript NM_001458.5 (MANE Select); coding-DNA position 2063, C replaced by T.
Protein change: p.Ala688Val; replaces alanine 688 with valine.
Molecular consequence: missense variant.
Genome position (GRCh38, 1-based): chr7:128,841,509, C>T. VCF-style: chr7-128841509-C-T. GRCh37 (hg19) VCF-style: chr7-128481563-C-T.
Other names: c.2063C>T, p.Ala688Val (NM_001127487.2); short protein forms A688V.
Identifiers: ClinVar variation 662387 (VCV000662387.12), dbSNP rs772223832, ClinGen allele CA4474580.

ClinVar aggregate classification (germline): Uncertain significance. Review status: criteria provided, multiple submitters, no conflicts (2 of 4 stars). 2 submissions from 2 submitters: Uncertain significance (2). Last evaluated 2024-03-06.

Conditions:
Distal myopathy with posterior leg and anterior hand involvement. Also called: WILLIAMS DISTAL MYOPATHY. Identifiers: Orphanet 63273, MedGen C3279722, MONDO:0013550, OMIM 614065.
Myofibrillar myopathy 5. Also called: Filaminopathy (type); FILAMINOPATHY, AUTOSOMAL DOMINANT. Identifiers: Orphanet 171445, MedGen C1836050, MONDO:0012289, OMIM 609524.
Hypertrophic cardiomyopathy 26. Also called: Cardiomyopathy, familial hypertrophic, 26. Identifiers: Orphanet 75249, MedGen C4310749, MONDO:0014883, OMIM 617047.

Allele frequency attached by ClinVar (database versions not stated): gnomAD exomes below 0.00001; ExAC 0.00001; gnomAD 0.00001.

Submissions (2):

GeneDx
Classification: Uncertain significance. Last evaluated: 2024-03-06. Review status: criteria provided, single submitter. Criteria: GeneDx Variant Classification Process June 2021. Collection method: clinical testing. Allele origin: germline. Affected: yes.
Comment: Has not been previously published as pathogenic or benign to our knowledge; Not observed at significant frequency in large population cohorts (gnomAD); In silico analysis supports that this missense variant has a deleterious effect on protein structure/function

Labcorp Genetics (formerly Invitae), Labcorp
Classification: Uncertain significance for Distal myopathy with posterior leg and anterior hand involvement; Myofibrillar myopathy 5; Hypertrophic cardiomyopathy 26. Last evaluated: 2022-07-12. Review status: criteria provided, single submitter. Criteria: Invitae Variant Classification Sherloc (09022015). Collection method: clinical testing. Allele origin: germline.
Comment: In summary, the available evidence is currently insufficient to determine the role of this variant in disease. Therefore, it has been classified as a Variant of Uncertain Significance. Algorithms developed to predict the effect of missense changes on protein structure and function (SIFT, PolyPhen-2, Align-GVGD) all suggest that this variant is likely to be tolerated. ClinVar contains an entry for this variant (Variation ID: 662387). This variant has not been reported in the literature in individuals affected with FLNC-related conditions. This variant is present in population databases (rs772223832, gnomAD 0.003%). This sequence change replaces alanine, which is neutral and non-polar, with valine, which is neutral and non-polar, at codon 688 of the FLNC protein (p.Ala688Val).